The following is an entry in ClinVar:

NM_001085458.2(CTNND1):c.764A>T (p.Asp255Val)

Genes: TMX2-CTNND1 (TMX2-CTNND1 readthrough (NMD candidate); plus strand), CTNND1 (catenin delta 1; plus strand). Cytogenetic location: 11q12.1.
Variant type: single nucleotide variant.
Coding change: c.764A>T on transcript NM_001085458.2 (MANE Select); coding-DNA position 764, A replaced by T.
Protein change: p.Asp255Val; replaces aspartic acid 255 with valine.
Molecular consequence: missense variant. On other transcripts: non-coding transcript variant (1).
Genome position (GRCh38, 1-based): chr11:57,796,800, A>T. VCF-style: chr11-57796800-A-T. GRCh37 (hg19) VCF-style: chr11-57564272-A-T.
Other names: c.764A>T, p.Asp255Val (NM_001085459.2, NM_001085460.2, NM_001085461.2 and 3 more transcripts); c.461A>T, p.Asp154Val (NM_001085463.2, NM_001085464.2, NM_001085465.2 and 5 more transcripts); c.602A>T, p.Asp201Val (NM_001206883.2, NM_001206884.2, NM_001206886.2 and 4 more transcripts); short protein forms D154V, D201V, D255V.
Identifiers: ClinVar variation 4885606 (VCV004885606.2).

ClinVar aggregate classification (germline): Uncertain significance (1 of 4 stars; one submission).

Submission:

Dasa
Classification: Uncertain significance. Last evaluated: 2025-11-05. Review status: criteria provided, single submitter. Criteria: DASA Assertion Criteria. Collection method: clinical testing. Allele origin: germline.
Comment: NM_001085458.2(CTNND1):c.764A>T (p.Asp255Val) is a missense variant that results in the substitution of aspartic acid with valine. This variant is absent from population databases. The currently available literature and clinical evidence are not sufficient to establish a definitive association between this variant and the reported condition. Therefore, this variant is classified as a variant of uncertain significance.